The following is an entry in ClinVar:

NM_001365276.2(TNXB):c.2872C>T (p.Gln958Ter)

Gene: TNXB (tenascin XB; minus strand). Cytogenetic location: 6p21.33.
Variant type: single nucleotide variant.
Coding change: c.2872C>T on transcript NM_001365276.2 (MANE Select); coding-DNA position 2872, C replaced by T.
Protein change: p.Gln958Ter; replaces glutamine 958 with a stop codon.
Molecular consequence: nonsense.
Genome position (GRCh38, 1-based): chr6:32,086,026, G>A on the plus strand (C>T on the coding strand, the complement: TNXB is on the minus strand). VCF-style: chr6-32086026-G-A. GRCh37 (hg19) VCF-style: chr6-32053803-G-A.
Other names: c.3613C>T, p.Gln1205Ter (NM_001428335.1); c.2872C>T, p.Gln958Ter (NM_019105.8); short protein forms Q1205*, Q958*.
Identifiers: ClinVar variation 5015195 (VCV005015195.1).

ClinVar aggregate classification (germline): Pathogenic (1 of 4 stars; one submission).

Conditions:
Ehlers-Danlos syndrome due to tenascin-X deficiency (EDSCLL1). Also called: EDS DUE TO TNX DEFICIENCY; TNX DEFICIENCY; Ehlers-Danlos syndrome, classic-like, 1; EHLERS-DANLOS SYNDROME, CLASSIC-LIKE; TNXB-Related Classical-Like Ehlers-Danlos Syndrome. Identifiers: Orphanet 230839, MedGen C1848029, MONDO:0011670, OMIM 606408.

Submission:

Myriad Genetics, Inc.
Classification: Pathogenic for Ehlers-Danlos syndrome due to tenascin-X deficiency. Last evaluated: 2025-11-10. Review status: criteria provided, single submitter. Criteria: Myriad Autosomal Dominant, Autosomal Recessive and X-Linked Classification Criteria (2023). Collection method: clinical testing. Allele origin: unknown.
Comment: NM_019105.6(TNXB):c.2872C>T(Q958*) is expected to be pathogenic in the context of classical-like Ehlers-Danlos syndrome, TNXB-related. This variant is predicted to lead to an abnormal or absent protein product due to the creation of a premature termination codon in TNXB, a gene where loss-of-function variants are known to be pathogenic. Please note: this variant was assessed in the context of healthy population screening.